The following is an entry in ClinVar:

NM_052867.4(NALCN):c.1266G>A (p.Glu422=)

Genes: NALCN (sodium leak channel, non-selective; minus strand), LOC126861831 (P300/CBP strongly-dependent group 1 enhancer GRCh37_chr13:101909917-101911116; plus strand). Cytogenetic location: 13q33.1.
Variant type: single nucleotide variant.
Coding change: c.1266G>A on transcript NM_052867.4 (MANE Select); coding-DNA position 1266, G replaced by A.
Protein change: p.Glu422=; no amino-acid change (glutamic acid 422 retained).
Molecular consequence: synonymous variant.
Genome position (GRCh38, 1-based): chr13:101,258,443, C>T on the plus strand (G>A on the coding strand, the complement: NALCN is on the minus strand). VCF-style: chr13-101258443-C-T. GRCh37 (hg19) VCF-style: chr13-101910794-C-T.
Other names: c.1266G>A, p.Glu422= (NM_001350748.2, NM_001350749.2); c.1179G>A, p.Glu393= (NM_001350750.2, NM_001350751.2).
Identifiers: ClinVar variation 2757323 (VCV002757323.3), dbSNP rs1204302061, ClinGen allele CA484753247.

ClinVar aggregate classification (germline): Uncertain significance (1 of 4 stars; one submission).

Allele frequency attached by ClinVar (database versions not stated): gnomAD exomes below 0.00001.
gnomAD v4.1: 1 of 1,614,060 alleles (0.000062%); highest among the groups gnomAD compares: Admixed American, 0.0017%; no homozygotes.

Submission:

Labcorp Genetics (formerly Invitae), Labcorp
Classification: Uncertain significance. Last evaluated: 2023-09-07. Review status: criteria provided, single submitter. Criteria: Invitae Variant Classification Sherloc (09022015). Collection method: clinical testing. Allele origin: germline.
Comment: In summary, the available evidence is currently insufficient to determine the role of this variant in disease. Therefore, it has been classified as a Variant of Uncertain Significance. Variants that disrupt the consensus splice site are a relatively common cause of aberrant splicing (PMID: 17576681, 9536098). Algorithms developed to predict the effect of sequence changes on RNA splicing suggest that this variant may create or strengthen a splice site. This variant has not been reported in the literature in individuals affected with NALCN-related conditions. This variant is present in population databases (no rsID available, gnomAD 0.003%). This sequence change affects codon 422 of the NALCN mRNA. It is a 'silent' change, meaning that it does not change the encoded amino acid sequence of the NALCN protein. This variant also falls at the last nucleotide of exon 11, which is part of the consensus splice site for this exon.

Literature cited by the submitters: PubMed 17576681; PubMed 9536098.